The following is an entry in ClinVar:

ClinVar aggregate classification (germline): Uncertain significance (1 of 4 stars; one submission).

Submission:

GeneDx
Classification: Uncertain significance. Last evaluated: 2022-06-08. Review status: criteria provided, single submitter. Criteria: GeneDx Variant Classification Process June 2021. Collection method: clinical testing. Allele origin: germline. Affected: yes.
Comment: Not observed at significant frequency in large population cohorts (gnomAD); In silico analysis supports that this missense variant has a deleterious effect on protein structure/function; Has not been previously published as pathogenic or benign to our knowledge

NM_181486.4(TBX5):c.295A>G (p.Lys99Glu)

Gene: TBX5 (T-box transcription factor 5; minus strand). Cytogenetic location: 12q24.21.
Variant type: single nucleotide variant.
Coding change: c.295A>G on transcript NM_181486.4 (MANE Select); coding-DNA position 295, A replaced by G.
Protein change: p.Lys99Glu; replaces lysine 99 with glutamic acid.
Molecular consequence: missense variant.
Genome position (GRCh38, 1-based): chr12:114,399,580, T>C on the plus strand (A>G on the coding strand, the complement: TBX5 is on the minus strand). VCF-style: chr12-114399580-T-C. GRCh37 (hg19) VCF-style: chr12-114837385-T-C.
Other names: c.295A>G, p.Lys99Glu (NM_000192.3); c.145A>G, p.Lys49Glu (NM_080717.4); short protein forms K49E, K99E.
Identifiers: ClinVar variation 1803586 (VCV001803586.1), dbSNP rs1565941529, ClinGen allele CA386862733.
Genomic context (GRCh38, chr12:114,399,580, plus strand): 5'-TATCTGCGAATTTGTATCTGTGATCGTCGGCAGGTACAATGTCCATGAGAAGAATGTACT[T>C]CGTTTTGGGATTAAGGCCCGTCACCTTCACTTTGTAACTGGGAAACATCCGCCTAAGAGA-3'
Protein context (NP_852259.1, residues 89-109): VKVTGLNPKT[Lys99Glu]YILLMDIVPA